The following is an entry in ClinVar:

NM_032043.3(BRIP1):c.781dup (p.Arg261fs)

Gene: BRIP1 (BRCA1 interacting DNA helicase 1; minus strand). Cytogenetic location: 17q23.2.
Variant type: Duplication.
Coding change: c.781dup on transcript NM_032043.3 (MANE Select); coding-DNA position 781, one base duplicated (A; older notation c.781dupA).
Protein change: p.Arg261fs; shifts the reading frame from arginine 261.
Molecular consequence: frameshift variant.
Genome position (GRCh38, 1-based): chr17:61,808,604, T duplicated on the plus strand (A on the coding strand, the reverse complement: BRIP1 is on the minus strand). VCF-style (leftmost placement, unchanged base first): chr17-61808603-C-CT. GRCh37 (hg19) VCF-style: chr17-59885964-C-CT.
Other names: c.781dupA (NM_032043.2); short protein forms R261fs.
Identifiers: ClinVar variation 1760768 (VCV001760768.2), dbSNP rs2545196328, ClinGen allele CA2580094682.
Genomic context (GRCh38, chr17:61,808,603, plus strand): 5'-TGATCCCTGCTGGAAAGAATAGTCATTGGAACCCCTGAATATGCCGTCCTCCGGAGCTCT[C>CT]TAGTAATCTGAGCAATCTGCTTGTGTGTGCGTGTCCCAAAATATATTTTGGGTATCTTGG-3'

ClinVar aggregate classification (germline): Pathogenic (1 of 4 stars; one submission).

Conditions:
Hereditary cancer-predisposing syndrome. Also called: Neoplastic Syndromes, Hereditary; Tumor predisposition; Hereditary Cancer Syndrome; Hereditary neoplastic syndrome. Identifiers: Orphanet 140162, MedGen C0027672, MeSH D009386, MONDO:0015356.

Allele frequency attached by ClinVar (database versions not stated): gnomAD exomes below 0.00001.

Submission:

Ambry Genetics
Classification: Pathogenic for Hereditary cancer-predisposing syndrome. Last evaluated: 2019-06-27. Review status: criteria provided, single submitter. Criteria: Ambry Variant Classification Scheme 2023. Collection method: clinical testing. Allele origin: germline.
Comment: The c.781dupA pathogenic mutation, located in coding exon 6 of the BRIP1 gene, results from a duplication of A at nucleotide position 781, causing a translational frameshift with a predicted alternate stop codon (p.R261Kfs*27). This alteration is expected to result in loss of function by premature protein truncation or nonsense-mediated mRNA decay. As such, this alteration is interpreted as a disease-causing mutation.